The following is an entry in ClinVar:

ClinVar aggregate classification (germline): Uncertain significance. Review status: criteria provided, single submitter (1 of 4 stars). 2 submissions from 2 submitters: Uncertain significance (1). 1 of the submissions does not count toward it.

Conditions:
Autosomal recessive Alport syndrome (ATS2). Also called: COL4A4 Alport Syndrome and Thin Basement Membrane Nephropathy; COL4A3-Related Nephropathy; ALPORT SYNDROME 2, AUTOSOMAL RECESSIVE; Alport syndrome type 2. Identifiers: Orphanet 63, Orphanet 88919, MedGen C4746745, MONDO:0008762, OMIM 203780.
Hematuria, benign familial, 1 (BFH1). Also called: THIN MEMBRANE NEPHROPATHY. Identifiers: MedGen CN376803, MONDO:0007709, OMIM 141200.

Submissions (2):

Neuberg Centre For Genomic Medicine, NCGM
Classification: Uncertain significance for Hematuria, benign familial, 1. Review status: criteria provided, single submitter. Criteria: ACMG Guidelines, 2015. Collection method: clinical testing. Allele origin: germline. Inheritance: Autosomal dominant inheritance. Affected: yes.
Comment: The observed inframe deletion c.4836_4838del(p.Gly1613del) variant in COL4A4 gene has not been reported previously as a pathogenic variant nor a benign variant, to our knowledge. The p.Gly1613del variant has been reported with allele frequency of 0.0004% in gnomAD Exomes. This variant has been submitted to the ClinVar database as Uncertain Significance. This p.Gly1613del causes deletion of amino acid Glycine at position 1613. For these reasons, this variant has been classified as a Variant of Uncertain Significance (VUS).

Counsyl
Classification: Uncertain significance for Autosomal recessive Alport syndrome. Last evaluated: 2017-06-21. Review status: no assertion criteria provided. Collection method: clinical testing. Allele origin: unknown. Not counted in ClinVar's aggregate classification.

NM_000092.5(COL4A4):c.4830AGG[2] (p.Gly1613del)

Gene: COL4A4 (collagen type IV alpha 4 chain; minus strand). Cytogenetic location: 2q36.3.
Variant type: Microsatellite.
Coding change: c.4830AGG[2] on transcript NM_000092.5 (MANE Select); two copies in a row of the 3-base unit AGG starting at c.4830; the reference has three copies in a row; one copy, 3 bases deleted; also written c.4836_4838del.
Protein change: p.Gly1613del; deletes glycine 1613.
Molecular consequence: inframe deletion.
Genome position (GRCh38, 1-based): chr2:227,007,560-227,007,562, CCT deleted on the plus strand (AGG on the coding strand, the reverse complement: COL4A4 is on the minus strand); deleting any 3 consecutive bases within chr2:227,007,560-227,007,568 gives the same sequence; the position shown is the placement nearest the transcript's 3' end. VCF-style (leftmost placement, unchanged base first): chr2-227007559-CCCT-C. GRCh37 (hg19) VCF-style: chr2-227872275-CCCT-C.
Other names: c.4836_4838delAGG (NM_000092.4); c.4836_4838del (NM_000092.5); short protein forms G1613del.
Identifiers: ClinVar variation 552350 (VCV000552350.3), dbSNP rs768416358, ClinGen allele CA2144033.